The following is an entry in ClinVar:

NM_000138.5(FBN1):c.3119C>T (p.Thr1040Ile)

Gene: FBN1 (fibrillin 1; minus strand). Cytogenetic location: 15q21.1.
Variant type: single nucleotide variant.
Coding change: c.3119C>T on transcript NM_000138.5 (MANE Select); coding-DNA position 3119, C replaced by T.
Protein change: p.Thr1040Ile; replaces threonine 1040 with isoleucine.
Molecular consequence: missense variant.
Genome position (GRCh38, 1-based): chr15:48,488,457, G>A on the plus strand (C>T on the coding strand, the complement: FBN1 is on the minus strand). VCF-style: chr15-48488457-G-A. GRCh37 (hg19) VCF-style: chr15-48780654-G-A.
Other names: c.3119C>T, p.Thr1040Ile (NM_001406716.1); short protein forms T1040I.
Identifiers: ClinVar variation 4536438 (VCV004536438.1).

ClinVar aggregate classification (germline): Uncertain significance (1 of 4 stars; one submission).

Submission:

GeneDx
Classification: Uncertain significance. Last evaluated: 2025-06-04. Review status: criteria provided, single submitter. Criteria: GeneDx Variant Classification Process June 2021. Collection method: clinical testing. Allele origin: germline. Affected: yes.
Comment: Not observed at significant frequency in large population cohorts (gnomAD); In silico analysis supports that this missense variant has a deleterious effect on protein structure/function; Has not been previously published as pathogenic or benign to our knowledge; Does not affect a cysteine or calcium-binding residue within an EGF-like domain or a TGF-binding protein domain of the FBN1 gene; cysteine substitutions in the EGF-like domains represent the majority of pathogenic missense changes associated with FBN1-related disorders (PMID: 12938084); This variant is associated with the following publications: (PMID: 12938084)